The following is an entry in ClinVar:

NM_174934.4(SCN4B):c.544C>G (p.Leu182Val)

Gene: SCN4B (sodium voltage-gated channel beta subunit 4; minus strand). Cytogenetic location: 11q23.3.
Variant type: single nucleotide variant.
Coding change: c.544C>G on transcript NM_174934.4 (MANE Select); coding-DNA position 544, C replaced by G.
Protein change: p.Leu182Val; replaces leucine 182 with valine.
Molecular consequence: missense variant. On other transcripts: non-coding transcript variant (1).
Genome position (GRCh38, 1-based): chr11:118,141,256, G>C on the plus strand (C>G on the coding strand, the complement: SCN4B is on the minus strand). VCF-style: chr11-118141256-G-C. GRCh37 (hg19) VCF-style: chr11-118011971-G-C.
Other names: c.142C>G, p.Leu48Val (NM_001142348.2); c.214C>G, p.Leu72Val (NM_001142349.2); short protein forms L182V, L48V, L72V.
Identifiers: ClinVar variation 403962 (VCV000403962.8), dbSNP rs771565684, ClinGen allele CA6300169.

ClinVar aggregate classification (germline): Uncertain significance (1 of 4 stars; one submission).

Conditions:
Long QT syndrome 10 (LQT10). Identifiers: Orphanet 101016, Orphanet 768, MedGen C2678484, MONDO:0012737, OMIM 611819.

Allele frequency attached by ClinVar (database versions not stated): TOPMed below 0.00001; ExAC 0.00001; gnomAD exomes 0.00001.
gnomAD v4.1: 6 of 1,612,908 alleles (0.00037%); highest among the groups gnomAD compares: Non-Finnish European, 0.00051%; no homozygotes.

Submission:

Labcorp Genetics (formerly Invitae), Labcorp
Classification: Uncertain significance for Long QT syndrome 10. Last evaluated: 2017-09-14. Review status: criteria provided, single submitter. Criteria: Invitae Variant Classification Sherloc (09022015). Collection method: clinical testing. Allele origin: germline.
Comment: Algorithms developed to predict the effect of sequence changes on RNA splicing suggest that this variant may alter RNA splicing, but this prediction has not been confirmed by published transcriptional studies. Algorithms developed to predict the effect of missense changes on protein structure and function (SIFT, PolyPhen-2, Align-GVGD) all suggest that this variant is likely to be tolerated, but these predictions have not been confirmed by published functional studies. This variant is present in population databases (rs771565684, ExAC <0.01%) but has not been reported in the literature in individuals with a SCN4B-related disease. This sequence change replaces leucine with valine at codon 182 of the SCN4B protein (p.Leu182Val). The leucine residue is moderately conserved and there is a small physicochemical difference between leucine and valine. In summary, this variant is a rare missense change that is not predicted to affect protein function but to affect mRNA splicing. There is no indication that it causes disease, but the available evidence is currently insufficient to prove that conclusively. Therefore, it has been classified as a Variant of Uncertain Significance.